The following is an entry in ClinVar:

NM_018196.4(TMLHE):c.248C>T (p.Ala83Val)

Gene: TMLHE (trimethyllysine hydroxylase, epsilon; minus strand). Cytogenetic location: Xq28.
Variant type: single nucleotide variant.
Coding change: c.248C>T on transcript NM_018196.4 (MANE Select); coding-DNA position 248, C replaced by T.
Protein change: p.Ala83Val; replaces alanine 83 with valine.
Molecular consequence: missense variant.
Genome position (GRCh38, 1-based): chrX:155,524,566, G>A on the plus strand (C>T on the coding strand, the complement: TMLHE is on the minus strand). VCF-style: chrX-155524566-G-A. GRCh37 (hg19) VCF-style: chrX-154754227-G-A.
Other names: c.248C>T, p.Ala83Val (NM_001184797.2); short protein forms A83V.
Identifiers: ClinVar variation 1328194 (VCV001328194.3), dbSNP rs149189246, ClinGen allele CA10569568.
Genomic context (GRCh38, chrX:155,524,566, plus strand): 5'-CATAAATCCACACTGGCAGTATCCAGGCTGCGCTGGTGAGTCTTAGAGTTGTAGCACGAT[G>A]CTGAGCGGCAGTGGTCTCGAAGCCAGACGTAATCAAAGCGCATCACGGTATTAGCATATT-3'
Protein context (NP_060666.1, residues 73-93): YVWLRDHCRS[Ala83Val]SCYNSKTHQR

ClinVar aggregate classification (germline): Uncertain significance. Review status: criteria provided, single submitter (1 of 4 stars). 3 submissions from 3 submitters: Uncertain significance (1). 2 of the submissions do not count toward it. Last evaluated 2023-11-17.

Allele frequency attached by ClinVar (database versions not stated): ExAC 0.00008; gnomAD exomes 0.00008 and 0.00018; gnomAD 0.00010 and 0.00011; TOPMed 0.00014; ESP Exome Variant Server 0.00038.
gnomAD v4.1: 209 of 1,206,070 alleles (0.017%); highest among the groups gnomAD compares: Non-Finnish European, 0.022%; no homozygotes.

Submissions (3):

Women's Health and Genetics/Laboratory Corporation of America, LabCorp
Classification: Uncertain significance. Last evaluated: 2023-11-17. Review status: criteria provided, single submitter. Criteria: LabCorp Variant Classification Summary - May 2015. Collection method: clinical testing. Allele origin: germline.
Comment: Variant summary: TMLHE c.248C>T (p.Ala83Val) results in a non-conservative amino acid change located in the N-terminal domain (IPR010376) of the encoded protein sequence. Four of five in-silico tools predict a damaging effect of the variant on protein function. The variant allele was found at a frequency of 7.8e-05 in 178942 control chromosomes (gnomAD). The available data on variant occurrences in the general population are insufficient to allow any conclusion about variant significance. To our knowledge, no occurrence of c.248C>T in individuals affected with Autism, Susceptibility To, X-Linked 6 and no experimental evidence demonstrating its impact on protein function have been reported. No submitters have reported clinical-significance assessments for this variant to ClinVar after 2014. Based on the evidence outlined above, the variant was classified as uncertain significance.

Clinical Genetics DNA and cytogenetics Diagnostics Lab, Erasmus MC, Erasmus Medical Center
Classification: Likely benign. Review status: no assertion criteria provided. Collection method: clinical testing. Allele origin: germline. Affected: yes. Study: VKGL Data-share Consensus. Not counted in ClinVar's aggregate classification.

Diagnostic Laboratory, Department of Genetics, University Medical Center Groningen
Classification: Likely benign. Review status: no assertion criteria provided. Collection method: clinical testing. Allele origin: germline. Affected: yes. Study: VKGL Data-share Consensus. Not counted in ClinVar's aggregate classification.